The following is an entry in ClinVar:

NM_001267550.2(TTN):c.37605_37606del (p.Lys12535fs)

Gene: TTN (titin; minus strand). Cytogenetic location: 2q31.2.
Variant type: Deletion.
Coding change: c.37605_37606del on transcript NM_001267550.2 (MANE Select); coding-DNA positions 37605 to 37606, 2 bases deleted (AC; older notation c.37605_37606delAC).
Protein change: p.Lys12535fs; shifts the reading frame from lysine 12535.
Molecular consequence: frameshift variant. On other transcripts: intron variant (5).
Genome position (GRCh38, 1-based): chr2:178,658,489-178,658,490, GT deleted on the plus strand (AC on the coding strand, the reverse complement: TTN is on the minus strand). VCF-style (leftmost placement, unchanged base first): chr2-178658488-GGT-G. GRCh37 (hg19) VCF-style: chr2-179523215-GGT-G.
Other names: c.37605_37606delAC (NM_001267550.2); c.13283-16173_13283-16172del (NM_003319.4); c.13859-16173_13859-16172del (NM_133437.4); c.13658-16173_13658-16172del (NM_133432.3); c.31741+515_31741+516del (NM_133378.4); c.34522+515_34522+516del (NM_001256850.1); short protein forms K12535fs.
Identifiers: ClinVar variation 3345707 (VCV003345707.1).

ClinVar aggregate classification (germline): Likely pathogenic (0 of 4 stars; one submission).

Conditions:
TTN-related disorder. Also called: TTN-related disorders; TTN-related condition; TTN-related disease.

Submission:

PreventionGenetics, part of Exact Sciences
Classification: Likely pathogenic for TTN-related condition. Last evaluated: 2024-06-22. Review status: no assertion criteria provided. Collection method: clinical testing. Allele origin: germline.
Comment: The TTN c.37605_37606delAC variant is predicted to result in a frameshift and premature protein termination (p.Lys12535Asnfs*10). To our knowledge, this variant has not been reported in the literature or in a large population database, indicating this variant is rare. The c.37605_37606delAC variant observed in this patient is found in an exon specific to the TTN meta-transcript and is not included in the skeletal muscle isoform (NM_133378.4); however, many other protein truncating variants in these meta-transcript-only exons have been observed in severe recessive congenital titinopathies (Bryen et al. 2020. PubMed ID: 31660661; Oates et al. 2018. PubMed ID: 29691892; Chervinsky et al. 2018. PubMed ID: 29575618). In summary, we categorize the c.37605_37606delAC variant as likely pathogenic for autosomal recessive TTN-related myopathy. It is uncertain if this variant would be disease causing for dominant TTN-related disorders.